The following is an entry in ClinVar:

NM_005726.6(TSFM):c.3G>A (p.Met1Ile)

Gene: TSFM (Ts translation elongation factor, mitochondrial; plus strand). Cytogenetic location: 12q14.1.
Variant type: single nucleotide variant.
Coding change: c.3G>A on transcript NM_005726.6 (MANE Select); coding-DNA position 3, G replaced by A.
Protein change: p.Met1Ile; changes the start codon (methionine 1).
Molecular consequence: missense variant, initiator codon variant.
Genome position (GRCh38, 1-based): chr12:57,782,804, G>A. VCF-style: chr12-57782804-G-A. GRCh37 (hg19) VCF-style: chr12-58176587-G-A.
Other names: c.3G>A, p.Met1Ile (NM_001172695.2, NM_001172696.2, NM_001172697.2); short protein forms M1I.
Identifiers: ClinVar variation 1484444 (VCV001484444.6), dbSNP rs2140412441, ClinGen allele CA385522877.

ClinVar aggregate classification (germline): Uncertain significance (1 of 4 stars; one submission).

Allele frequency attached by ClinVar (database versions not stated): gnomAD exomes below 0.00001.

Submission:

Labcorp Genetics (formerly Invitae), Labcorp
Classification: Uncertain significance. Last evaluated: 2021-05-29. Review status: criteria provided, single submitter. Criteria: Invitae Variant Classification Sherloc (09022015). Collection method: clinical testing. Allele origin: germline.
Comment: In summary, the available evidence is currently insufficient to determine the role of this variant in disease. Therefore, it has been classified as a Variant of Uncertain Significance. Experimental studies and prediction algorithms are not available or were not evaluated, and the functional significance of this variant is currently unknown. This variant has not been reported in the literature in individuals with TSFM-related conditions. This variant is not present in population databases (ExAC no frequency). This sequence change affects the initiator methionine of the TSFM mRNA. The next in-frame methionine is located at codon 51.